The following is an entry in ClinVar:

ClinVar aggregate classification (germline): Likely benign. Review status: reviewed by expert panel (3 of 4 stars). 3 submissions from 3 submitters: Likely benign (1). 2 of the submissions do not count toward it. Last evaluated 2024-11-08.

Conditions:
Arginine:glycine amidinotransferase deficiency (CCDS3). Also called: AGAT deficiency; L-Arginine:Glycine Amidinotransferase Deficiency; Creatine deficiency syndrome due to AGAT deficiency; GATM deficiency; L-Arginine:Glycine Amidinotransferase (AGAT) Deficiency; Cerebral creatine deficiency syndrome 3. Identifiers: Orphanet 35704, MedGen C2675179, MONDO:0012996, OMIM 612718.

Allele frequency attached by ClinVar (database versions not stated): 1000 Genomes Project 30x 0.00016; 1000 Genomes Project 0.00020; gnomAD 0.00004; gnomAD exomes 0.00004; ExAC 0.00005; TOPMed 0.00005.
gnomAD v4.1: 71 of 1,614,224 alleles (0.0044%); highest among the groups gnomAD compares: African/African-American, 0.0053%; no homozygotes.

Submissions (3):

ClinGen Cerebral Creatine Deficiency Syndromes Variant Curation Expert Panel, ClinGen
Classification: Likely benign for Arginine:glycine amidinotransferase deficiency. Last evaluated: 2024-11-08. Review status: reviewed by expert panel. Criteria: ClinGen_CCDS_ACMG_Specifications_GATM_v1.1. Collection method: curation. Allele origin: germline. Inheritance: Autosomal recessive inheritance.
Comment: The NM_001482.3:c.156T>A variant in GATM is a synonymous (silent) variant (p.Ala52=). The computational predictor, SpliceAI, predicts that the variant does not impact splicing (BP4). BP7 was not applied because the nucleotide is moderately conserved, as shown by phyloP (score 2.27). To our knowledge, this variant has not been reported in the literature and results of functional studies are unavailable. The highest population minor allele frequency in gnomAD v2.1.1 is 0.00016 (4/24964 alleles) in the African population, which is higher than the ClinGen CCDS VCEP’s threshold for BS1 (>0.0001), and therefore meets this criterion (BS1). There is a ClinVar entry for this variant (Variation ID: 469137). In summary, this variant meets the criteria to be classified as likely benign for AGAT deficiency based on the ACMG/AMP criteria applied, as specified by the ClinGen Cerebral Creatine Deficiency Syndromes Variant Curation Expert Panel (Specifications Version 1.1.0): BS1, BP4. Classification approved by the ClinGen Cerebral Creatine Deficiency Syndromes Variant Curation Expert Panel on November 8, 2024)

Labcorp Genetics (formerly Invitae), Labcorp
Classification: Likely benign for Arginine:glycine amidinotransferase deficiency. Last evaluated: 2025-03-27. Review status: criteria provided, single submitter. Criteria: Invitae Variant Classification Sherloc (09022015). Collection method: clinical testing. Allele origin: germline. Not counted in ClinVar's aggregate classification.

GeneDx
Classification: Uncertain significance. Last evaluated: 2020-07-15. Review status: criteria provided, single submitter. Criteria: GeneDx Variant Classification Process June 2021. Collection method: clinical testing. Allele origin: germline. Affected: yes. Not counted in ClinVar's aggregate classification.
Comment: In silico analysis supports that this variant does not alter splicing; Has not been previously published as pathogenic or benign to our knowledge

NM_001482.3(GATM):c.156T>A (p.Ala52=)

Gene: GATM (glycine amidinotransferase; minus strand). Cytogenetic location: 15q21.1.
Variant type: single nucleotide variant.
Coding change: c.156T>A on transcript NM_001482.3 (MANE Select); coding-DNA position 156, T replaced by A.
Protein change: p.Ala52=; no amino-acid change (alanine 52 retained).
Molecular consequence: synonymous variant. On other transcripts: 5 prime UTR variant (1).
Genome position (GRCh38, 1-based): chr15:45,376,733, A>T on the plus strand (T>A on the coding strand, the complement: GATM is on the minus strand). VCF-style: chr15-45376733-A-T. GRCh37 (hg19) VCF-style: chr15-45668931-A-T.
Other names: NM_001482.3(GATM):c.156T>A; p.Ala52=; c.-232T>A (NM_001321015.2).
Identifiers: ClinVar variation 469137 (VCV000469137.16), dbSNP rs185569234, ClinGen allele CA7542986.